The following is an entry in ClinVar:

NM_004360.5(CDH1):c.1484del (p.Val495fs)

Gene: CDH1 (cadherin 1; plus strand). Cytogenetic location: 16q22.1.
Variant type: Deletion.
Coding change: c.1484del on transcript NM_004360.5 (MANE Select); coding-DNA position 1484, one base deleted (T; older notation c.1484delT).
Protein change: p.Val495fs; shifts the reading frame from valine 495.
Molecular consequence: frameshift variant. On other transcripts: 5 prime UTR variant (2).
Genome position (GRCh38, 1-based): chr16:68,815,678, T deleted. VCF-style (leftmost placement, unchanged base first): chr16-68815677-GT-G. GRCh37 (hg19) VCF-style: chr16-68849580-GT-G.
Other names: c.1301del, p.Val434fs (NM_001317184.2); c.-65del (NM_001317185.2); c.-336del (NM_001317186.2); short protein forms V495fs, V434fs.
Identifiers: ClinVar variation 2754811 (VCV002754811.3), dbSNP rs2543931035, ClinGen allele CA2697555910.
Genomic context (GRCh38, chr16:68,815,677, plus strand): 5'-GTGGATGTGCTGGATGTGAATGAAGCCCCCATCTTTGTGCCTCCTGAAAAGAGAGTGGAA[GT>G]GTCCGAGGACTTTGGCGTGGGCCAGGAAATCACATCCTACACTGCCCAGGAGCCAGACAC-3'

ClinVar aggregate classification (germline): Pathogenic (1 of 4 stars; one submission).

Conditions:
Hereditary diffuse gastric adenocarcinoma (HDGC). Also called: DIFFUSE GASTRIC AND LOBULAR BREAST CANCER SYNDROME. Identifiers: Orphanet 26106, MedGen C1708349, MONDO:0007648, OMIM 137215.

Submission:

Labcorp Genetics (formerly Invitae), Labcorp
Classification: Pathogenic for Hereditary diffuse gastric adenocarcinoma. Last evaluated: 2025-06-16. Review status: criteria provided, single submitter. Criteria: Invitae Variant Classification Sherloc (09022015). Collection method: clinical testing. Allele origin: germline.
Comment: This sequence change creates a premature translational stop signal (p.Val495Glyfs*27) in the CDH1 gene. It is expected to result in an absent or disrupted protein product. Loss-of-function variants in CDH1 are known to be pathogenic (PMID: 15235021, 20373070). This variant is not present in population databases (gnomAD no frequency). This variant has not been reported in the literature in individuals affected with CDH1-related conditions. ClinVar contains an entry for this variant (Variation ID: 2754811). For these reasons, this variant has been classified as Pathogenic.

Literature cited by the submitters: PubMed 15235021; PubMed 20373070.